The following is an entry in ClinVar:

ClinVar aggregate classification (germline): Uncertain significance. Review status: criteria provided, multiple submitters, no conflicts (2 of 4 stars). 2 submissions from 2 submitters: Uncertain significance (2). Last evaluated 2025-11-08.

Conditions:
Inborn genetic diseases. Identifiers: MedGen C0950123, MeSH D030342.

gnomAD v4.1: 3 of 1,613,990 alleles (0.00019%); highest among the groups gnomAD compares: Non-Finnish European, 0.00017%; no homozygotes.

Submissions (2):

Ambry Genetics
Classification: Uncertain significance for Inborn genetic diseases. Last evaluated: 2025-11-08. Review status: criteria provided, single submitter. Criteria: Ambry Variant Classification Scheme 2023. Collection method: clinical testing. Allele origin: germline.

GeneDx
Classification: Uncertain significance. Last evaluated: 2024-05-31. Review status: criteria provided, single submitter. Criteria: GeneDx Variant Classification Process June 2021. Collection method: clinical testing. Allele origin: germline. Affected: yes.
Comment: Not observed at significant frequency in large population cohorts (gnomAD); In silico analysis supports that this missense variant has a deleterious effect on protein structure/function; Has not been previously published as pathogenic or benign to our knowledge

NM_013296.5(GPSM2):c.673C>T (p.His225Tyr)

Gene: GPSM2 (G protein signaling modulator 2; plus strand). Cytogenetic location: 1p13.3.
Variant type: single nucleotide variant.
Coding change: c.673C>T on transcript NM_013296.5 (MANE Select); coding-DNA position 673, C replaced by T.
Protein change: p.His225Tyr; replaces histidine 225 with tyrosine.
Molecular consequence: missense variant.
Genome position (GRCh38, 1-based): chr1:108,898,757, C>T. VCF-style: chr1-108898757-C-T. GRCh37 (hg19) VCF-style: chr1-109441379-C-T.
Other names: c.673C>T, p.His225Tyr (NM_001321038.2, NM_001321039.3); short protein forms H225Y.
Identifiers: ClinVar variation 3383732 (VCV003383732.2).